The following is an entry in ClinVar:

ClinVar aggregate classification (germline): Uncertain significance (1 of 4 stars; one submission).

Conditions:
Hypertrophic cardiomyopathy. Also called: HYPERTROPHIC MYOCARDIOPATHY. Identifiers: Orphanet 217569, MedGen C0007194, MeSH D002312, MONDO:0005045, HP:0001639.

Submission:

Labcorp Genetics (formerly Invitae), Labcorp
Classification: Uncertain significance for Hypertrophic cardiomyopathy. Last evaluated: 2020-04-01. Review status: criteria provided, single submitter. Criteria: Invitae Variant Classification Sherloc (09022015). Collection method: clinical testing. Allele origin: germline.
Comment: This variant is not present in population databases (ExAC no frequency). This sequence change results in a premature translational stop signal in the TNNI3 gene (p.Val188Alafs*9). While this is not anticipated to result in nonsense mediated decay, it is expected to disrupt the last 23 amino acids of the TNNI3 protein. In summary, the available evidence is currently insufficient to determine the role of this variant in disease. Therefore, it has been classified as a Variant of Uncertain Significance. Experimental studies and prediction algorithms are not available or were not evaluated, and the functional significance of this variant is currently unknown. This variant has not been reported in the literature in individuals with TNNI3-related conditions.

NM_000363.5(TNNI3):c.563_569del (p.Val188fs)

Gene: TNNI3 (troponin I3, cardiac type; minus strand). Cytogenetic location: 19q13.42.
Variant type: Deletion.
Coding change: c.563_569del on transcript NM_000363.5 (MANE Select); coding-DNA positions 563 to 569, 7 bases deleted (TGGGAGA; older notation c.563_569delTGGGAGA).
Protein change: p.Val188fs; shifts the reading frame from valine 188.
Molecular consequence: frameshift variant.
Genome position (GRCh38, 1-based): chr19:55,151,898-55,151,904, TCTCCCA deleted on the plus strand (TGGGAGA on the coding strand, the reverse complement: TNNI3 is on the minus strand). VCF-style (leftmost placement, unchanged base first): chr19-55151897-GTCTCCCA-G. GRCh37 (hg19) VCF-style: chr19-55663265-GTCTCCCA-G.
Other names: short protein forms V188fs.
Identifiers: ClinVar variation 1004884 (VCV001004884.6), dbSNP rs2085697125, ClinGen allele CA2343272643.